The following is an entry in ClinVar:

ClinVar aggregate classification (germline): Conflicting classifications of pathogenicity. Review status: criteria provided, conflicting classifications (1 of 4 stars). 3 submissions from 3 submitters: Uncertain significance (1); Likely benign (2). Last evaluated 2025-12-13.

Conditions:
Hereditary cancer-predisposing syndrome. Also called: Neoplastic Syndromes, Hereditary; Tumor predisposition; Hereditary Cancer Syndrome; Hereditary neoplastic syndrome. Identifiers: Orphanet 140162, MedGen C0027672, MeSH D009386, MONDO:0015356.

Allele frequency attached by ClinVar (database versions not stated): gnomAD exomes below 0.00001; TOPMed 0.00001; gnomAD 0.00003.
gnomAD v4.1: 9 of 1,490,714 alleles (0.0006%); highest among the groups gnomAD compares: African/African-American, 0.0069%; no homozygotes.

Submissions (3):

Labcorp Genetics (formerly Invitae), Labcorp
Classification: Likely benign. Last evaluated: 2025-12-13. Review status: criteria provided, single submitter. Criteria: Invitae Variant Classification Sherloc (09022015). Collection method: clinical testing. Allele origin: germline.

GeneDx
Classification: Uncertain significance. Last evaluated: 2024-07-09. Review status: criteria provided, single submitter. Criteria: GeneDx Variant Classification Process June 2021. Collection method: clinical testing. Allele origin: germline. Affected: yes.
Comment: Not observed at significant frequency in large population cohorts (gnomAD); In silico analysis indicates that this variant does not alter splicing; Has not been previously published as pathogenic or benign to our knowledge

Ambry Genetics
Classification: Likely benign for Hereditary cancer-predisposing syndrome. Last evaluated: 2023-04-26. Review status: criteria provided, single submitter. Criteria: Ambry Variant Classification Scheme 2023. Collection method: clinical testing. Allele origin: germline.

Literature cited by the submitters: PubMed 9536098 (cited by Ambry Genetics).

NM_002439.5(MSH3):c.1568+3A>G

Gene: MSH3 (mutS homolog 3; plus strand). Cytogenetic location: 5q14.1.
Variant type: single nucleotide variant.
Coding change: c.1568+3A>G on transcript NM_002439.5 (MANE Select); 3 bases into the intron after coding-DNA position 1568, A replaced by G.
Molecular consequence: intron variant.
Genome position (GRCh38, 1-based): chr5:80,728,968, A>G. VCF-style: chr5-80728968-A-G. GRCh37 (hg19) VCF-style: chr5-80024787-A-G.
Identifiers: ClinVar variation 819535 (VCV000819535.13), dbSNP rs923864884, ClinGen allele CA121293809.